The following is an entry in ClinVar:

NM_000322.5(PRPH2):c.522G>A (p.Trp174Ter)

Gene: PRPH2 (peripherin 2; minus strand). Cytogenetic location: 6p21.1.
Variant type: single nucleotide variant.
Coding change: c.522G>A on transcript NM_000322.5 (MANE Select); coding-DNA position 522, G replaced by A.
Protein change: p.Trp174Ter; replaces tryptophan 174 with a stop codon.
Molecular consequence: nonsense.
Genome position (GRCh38, 1-based): chr6:42,721,813, C>T on the plus strand (G>A on the coding strand, the complement: PRPH2 is on the minus strand). VCF-style: chr6-42721813-C-T. GRCh37 (hg19) VCF-style: chr6-42689551-C-T.
Other names: short protein forms W174*.
Identifiers: ClinVar variation 1069377 (VCV001069377.11), dbSNP rs1064793237, ClinGen allele CA364137373.
Genomic context (GRCh38, chr6:42,721,813, plus strand): 5'-CTCTTTGACTTCTTTGGAGGAAAAGTCCAGGTAGCGATTGCTGATCCACTGAATCTCAAA[C>T]CAGTCCCGAAAACCGTTGTTGCCGCAGCATTTGAACTCGATCTGCAGCATGTCGATGGTC-3'

ClinVar aggregate classification (germline): Pathogenic/Likely pathogenic. Review status: criteria provided, multiple submitters, no conflicts (2 of 4 stars). 3 submissions from 3 submitters: Pathogenic (1); Likely pathogenic (1). 1 of the submissions does not count toward it. Last evaluated 2024-02-24.

Conditions:
PRPH2-related disorder. Also called: PRPH2-related condition; PRPH2-related disorders. Identifiers: MedGen CN239395.

Submissions (3):

Labcorp Genetics (formerly Invitae), Labcorp
Classification: Pathogenic for PRPH2-related disorder. Last evaluated: 2024-02-24. Review status: criteria provided, single submitter. Criteria: Invitae Variant Classification Sherloc (09022015). Collection method: clinical testing. Allele origin: germline.
Comment: This sequence change creates a premature translational stop signal (p.Trp174*) in the PRPH2 gene. It is expected to result in an absent or disrupted protein product. Loss-of-function variants in PRPH2 are known to be pathogenic (PMID: 8111389, 8485575, 8485576, 8675410, 16916875, 17504850, 22863181, 25675413, 26061163, 27365499, 29555955, 33546218). This variant is not present in population databases (gnomAD no frequency). This premature translational stop signal has been observed in individual(s) with Leber congenital amaurosis (PMID: 25412400). ClinVar contains an entry for this variant (Variation ID: 1069377). For these reasons, this variant has been classified as Pathogenic.

Blueprint Genetics
Classification: Likely pathogenic for PRPH2-related disorders. Last evaluated: 2020-03-02. Review status: criteria provided, single submitter. Criteria: ACMG Guidelines, 2015. Collection method: clinical testing. Allele origin: germline. Affected: yes. Observed: 1 variant allele.

Leiden Open Variation Database
Classification: Pathogenic. Last evaluated: 2021-04-06. Review status: no assertion criteria provided. Collection method: curation. Allele origin: germline. Affected: yes. Not counted in ClinVar's aggregate classification.
Comment: Curator: Global Variome, with Curator vacancy. Submitters to LOVD: LOVD, Manon Peeters.

Literature cited by the submitters: PubMed 8111389 (cited by Labcorp Genetics (formerly Invitae), Labcorp); PubMed 8485575 (cited by Labcorp Genetics (formerly Invitae), Labcorp); PubMed 8485576 (cited by Labcorp Genetics (formerly Invitae), Labcorp); PubMed 8675410 (cited by Labcorp Genetics (formerly Invitae), Labcorp); PubMed 16916875 (cited by Labcorp Genetics (formerly Invitae), Labcorp); PubMed 17504850 (cited by Labcorp Genetics (formerly Invitae), Labcorp); PubMed 22863181 (cited by Labcorp Genetics (formerly Invitae), Labcorp); PubMed 25675413 (cited by Labcorp Genetics (formerly Invitae), Labcorp); PubMed 26061163 (cited by Labcorp Genetics (formerly Invitae), Labcorp); PubMed 27365499 (cited by Labcorp Genetics (formerly Invitae), Labcorp); PubMed 29555955 (cited by Labcorp Genetics (formerly Invitae), Labcorp); PubMed 33546218 (cited by Labcorp Genetics (formerly Invitae), Labcorp); PubMed 25412400 (cited by Labcorp Genetics (formerly Invitae), Labcorp and Leiden Open Variation Database); PubMed 29343940 (cited by Leiden Open Variation Database).